The following is an entry in ClinVar:

ClinVar aggregate classification (germline): Uncertain significance. Review status: criteria provided, multiple submitters, no conflicts (2 of 4 stars). 2 submissions from 2 submitters: Uncertain significance (2). Last evaluated 2026-01-05.

Conditions:
Generalized epilepsy with febrile seizures plus, type 7 (GEFSP7). Also called: GEFS+, TYPE 7. Identifiers: Orphanet 36387, MedGen C2751778, MONDO:0013470, OMIM 613863.
Neuropathy, hereditary sensory and autonomic, type 2A (HSAN2A). Also called: HSAN IIA; WNK1-Related HSAN2 (HSAN2A); ACROOSTEOLYSIS, GIACCAI TYPE; ACROOSTEOLYSIS, NEUROGENIC; MORVAN DISEASE; NEUROPATHY, CONGENITAL SENSORY. Identifiers: Orphanet 970, MedGen C2752089, MONDO:0024309, OMIM 201300.

Submissions (2):

Labcorp Genetics (formerly Invitae), Labcorp
Classification: Uncertain significance for Neuropathy, hereditary sensory and autonomic, type 2A; Generalized epilepsy with febrile seizures plus, type 7. Last evaluated: 2026-01-05. Review status: criteria provided, single submitter. Criteria: Invitae Variant Classification Sherloc (09022015). Collection method: clinical testing. Allele origin: germline.
Comment: This sequence change replaces valine, which is neutral and non-polar, with leucine, which is neutral and non-polar, at codon 1741 of the SCN9A protein (p.Val1741Leu). This variant is not present in population databases (gnomAD no frequency). This variant has not been reported in the literature in individuals affected with SCN9A-related conditions. ClinVar contains an entry for this variant (Variation ID: 425230). Invitae Evidence Modeling of protein sequence and biophysical properties (such as structural, functional, and spatial information, amino acid conservation, physicochemical variation, residue mobility, and thermodynamic stability) has been performed for this missense variant. However, the output from this modeling did not meet the statistical confidence thresholds required to predict the impact of this variant on SCN9A protein function. In summary, the available evidence is currently insufficient to determine the role of this variant in disease. Therefore, it has been classified as a Variant of Uncertain Significance.

CeGaT Center for Human Genetics Tuebingen
Classification: Uncertain significance. Last evaluated: 2016-09-01. Review status: criteria provided, single submitter. Criteria: CeGaT Center For Human Genetics Tuebingen Variant Classification Criteria Version 2. Collection method: clinical testing. Allele origin: germline. Affected: yes. Observed: 1 variant allele.

NM_001365536.1(SCN9A):c.5254G>C (p.Val1752Leu)

Genes: SCN1A-AS1 (SCN1A and SCN9A antisense RNA 1; plus strand), SCN9A (sodium voltage-gated channel alpha subunit 9; minus strand). Cytogenetic location: 2q24.3.
Variant type: single nucleotide variant.
Coding change: c.5254G>C on transcript NM_001365536.1 (MANE Select); coding-DNA position 5254, G replaced by C.
Protein change: p.Val1752Leu; replaces valine 1752 with leucine.
Molecular consequence: missense variant.
Genome position (GRCh38, 1-based): chr2:166,199,385, C>G on the plus strand (G>C on the coding strand, the complement: SCN9A is on the minus strand). VCF-style: chr2-166199385-C-G. GRCh37 (hg19) VCF-style: chr2-167055895-C-G.
Other names: c.5221G>C, p.Val1741Leu (NM_002977.4); short protein forms V1741L, V1752L.
Identifiers: ClinVar variation 425230 (VCV000425230.44), dbSNP rs1064797267, ClinGen allele CA16621769.
Genomic context (GRCh38, chr2:166,199,385, plus strand): 5'-CAGTACTTTCTTCAGTGGCAACACTAAAATTCTCCAGTATGACTGCAATGTACATGTTCA[C>G]CACAACCAGGAAGGATATGATGATATAACTAACAAAGTAGAATATTCCAACAGATGGGTT-3'
Protein context (NP_001352465.1, residues 1742-1762): SYIIISFLVV[Val1752Leu]NMYIAVILEN